The following is an entry in ClinVar:

ClinVar aggregate classification (germline): Uncertain significance (1 of 4 stars; one submission).

Allele frequency attached by ClinVar (database versions not stated): gnomAD exomes below 0.00001; ExAC 0.00001; gnomAD 0.00001.
gnomAD v4.1: 1 of 1,613,582 alleles (0.000062%); highest among the groups gnomAD compares: East Asian, 0.0022%; no homozygotes.

Submission:

Labcorp Genetics (formerly Invitae), Labcorp
Classification: Uncertain significance. Last evaluated: 2022-08-16. Review status: criteria provided, single submitter. Criteria: Invitae Variant Classification Sherloc (09022015). Collection method: clinical testing. Allele origin: germline.
Comment: This sequence change replaces threonine, which is neutral and polar, with isoleucine, which is neutral and non-polar, at codon 171 of the DEAF1 protein (p.Thr171Ile). This variant is present in population databases (rs760044921, gnomAD 0.006%). This variant has not been reported in the literature in individuals affected with DEAF1-related conditions. Advanced modeling of protein sequence and biophysical properties (such as structural, functional, and spatial information, amino acid conservation, physicochemical variation, residue mobility, and thermodynamic stability) performed at Invitae indicates that this missense variant is expected to disrupt DEAF1 protein function. In summary, the available evidence is currently insufficient to determine the role of this variant in disease. Therefore, it has been classified as a Variant of Uncertain Significance. ClinVar contains an entry for this variant (Variation ID: 1352541).

NM_021008.4(DEAF1):c.512C>T (p.Thr171Ile)

Gene: DEAF1 (DEAF1 transcription factor; minus strand). Cytogenetic location: 11p15.5.
Variant type: single nucleotide variant.
Coding change: c.512C>T on transcript NM_021008.4 (MANE Select); coding-DNA position 512, C replaced by T.
Protein change: p.Thr171Ile; replaces threonine 171 with isoleucine.
Molecular consequence: missense variant. On other transcripts: 5 prime UTR variant (1).
Genome position (GRCh38, 1-based): chr11:688,336, G>A on the plus strand (C>T on the coding strand, the complement: DEAF1 is on the minus strand). VCF-style: chr11-688336-G-A. GRCh37 (hg19) VCF-style: chr11-688336-G-A.
Other names: c.512C>T, p.Thr171Ile (NM_001293634.2); c.-215C>T (NM_001367390.1); short protein forms T171I.
Identifiers: ClinVar variation 1352541 (VCV001352541.8), dbSNP rs760044921, ClinGen allele CA5786530.
Genomic context (GRCh38, chr11:688,336, plus strand): 5'-CTAGCTATTCTGAAACGTGTTTTGCCCGAGGCCTGGGGTGCAGGCACCGCTGTACCTGGG[G>A]TGAGGGGAGCTGCCGGGCCTTTCAGCCCGGTGGTCTCCACGATGCTCCCATCTGTGTGGA-3'
Protein context (NP_066288.2, residues 161-181): TGLKGPAAPL[Thr171Ile]PGPQSPPTPL